The following is an entry in ClinVar:

NM_001379291.1(BRD4):c.517A>G (p.Ile173Val)

Gene: BRD4 (bromodomain containing 4; minus strand). Cytogenetic location: 19p13.12.
Variant type: single nucleotide variant.
Coding change: c.517A>G on transcript NM_001379291.1 (MANE Select); coding-DNA position 517, A replaced by G.
Protein change: p.Ile173Val; replaces isoleucine 173 with valine.
Molecular consequence: missense variant.
Genome position (GRCh38, 1-based): chr19:15,267,458, T>C on the plus strand (A>G on the coding strand, the complement: BRD4 is on the minus strand). VCF-style: chr19-15267458-T-C. GRCh37 (hg19) VCF-style: chr19-15378269-T-C.
Other names: c.517A>G (NM_058243.2); c.517A>G, p.Ile173Val (NM_001330384.2, NM_001379292.1, NM_014299.3 and 1 more transcripts); short protein forms I173V.
Identifiers: ClinVar variation 2894061 (VCV002894061.25), dbSNP rs752951417, ClinGen allele CA9265628.
Genomic context (GRCh38, chr19:15,267,458, plus strand): 5'-GCTATTTCAGTACTCTACCTGTTTCTTTCCTCCCACGTCCTCTTCCTTTTGCCTGGACTA[T>C]CATGATCTCGGTTTCTTCTGTGGGTAGCTCATTTATTTTTTGCAAGAAGAGCTTTTCCAG-3'
Protein context (NP_001366220.1, residues 163-183): ELPTEETEIM[Ile173Val]VQAKGRGRGR

ClinVar aggregate classification (germline): Conflicting classifications of pathogenicity. Review status: criteria provided, conflicting classifications (1 of 4 stars). 3 submissions from 3 submitters: Uncertain significance (2); Likely benign (1). Last evaluated 2025-08-25.

Conditions:
Inborn genetic diseases. Identifiers: MedGen C0950123, MeSH D030342.

Allele frequency attached by ClinVar (database versions not stated): ExAC 0.00001; gnomAD 0.00001; TOPMed 0.00001; gnomAD exomes 0.00005.
gnomAD v4.1: 67 of 1,614,130 alleles (0.0042%); highest among the groups gnomAD compares: Non-Finnish European, 0.0052%; no homozygotes.

Submissions (3):

Ambry Genetics
Classification: Uncertain significance for Inborn genetic diseases. Last evaluated: 2025-08-25. Review status: criteria provided, single submitter. Criteria: Ambry Variant Classification Scheme 2023. Collection method: clinical testing. Allele origin: germline.

CeGaT Center for Human Genetics Tuebingen
Classification: Likely benign. Last evaluated: 2024-03-01. Review status: criteria provided, single submitter. Criteria: CeGaT Center For Human Genetics Tuebingen Variant Classification Criteria Version 2. Collection method: clinical testing. Allele origin: germline. Affected: yes. Observed: 1 variant allele.
Comment: BRD4: BP4

Labcorp Genetics (formerly Invitae), Labcorp
Classification: Uncertain significance. Last evaluated: 2023-02-17. Review status: criteria provided, single submitter. Criteria: Invitae Variant Classification Sherloc (09022015). Collection method: clinical testing. Allele origin: germline.
Comment: This sequence change replaces isoleucine, which is neutral and non-polar, with valine, which is neutral and non-polar, at codon 173 of the BRD4 protein (p.Ile173Val). This variant is present in population databases (rs752951417, gnomAD 0.003%). This variant has not been reported in the literature in individuals affected with BRD4-related conditions. Advanced modeling of protein sequence and biophysical properties (such as structural, functional, and spatial information, amino acid conservation, physicochemical variation, residue mobility, and thermodynamic stability) performed at Invitae indicates that this missense variant is not expected to disrupt BRD4 protein function. In summary, the available evidence is currently insufficient to determine the role of this variant in disease. Therefore, it has been classified as a Variant of Uncertain Significance.